The following is an entry in ClinVar:

ClinVar aggregate classification (germline): Uncertain significance. Review status: criteria provided, multiple submitters, no conflicts (2 of 4 stars). 2 submissions from 2 submitters: Uncertain significance (2). Last evaluated 2025-12-16.

Conditions:
Inborn genetic diseases. Identifiers: MedGen C0950123, MeSH D030342.

gnomAD v4.1: 11 of 1,614,190 alleles (0.00068%); highest among the groups gnomAD compares: Non-Finnish European, 0.00093%; no homozygotes.

Submissions (2):

Labcorp Genetics (formerly Invitae), Labcorp
Classification: Uncertain significance. Last evaluated: 2025-12-16. Review status: criteria provided, single submitter. Criteria: Invitae Variant Classification Sherloc (09022015). Collection method: clinical testing. Allele origin: germline.
Comment: This sequence change replaces alanine, which is neutral and non-polar, with serine, which is neutral and polar, at codon 546 of the NR3C1 protein (p.Ala546Ser). This variant is present in population databases (rs776838455, gnomAD 0.002%). This variant has not been reported in the literature in individuals affected with NR3C1-related conditions. An algorithm developed to predict the effect of missense changes on protein structure and function outputs the following: PolyPhen-2: "Benign". The serine amino acid residue is found in multiple mammalian species, which suggests that this missense change does not adversely affect protein function. In summary, the available evidence is currently insufficient to determine the role of this variant in disease. Therefore, it has been classified as a Variant of Uncertain Significance.

Ambry Genetics
Classification: Uncertain significance for Inborn genetic diseases. Last evaluated: 2025-10-02. Review status: criteria provided, single submitter. Criteria: Ambry Variant Classification Scheme 2023. Collection method: clinical testing. Allele origin: germline.
Comment: The c.1636G>T (p.A546S) alteration is located in exon 5 (coding exon 4) of the NR3C1 gene. This alteration results from a G to T substitution at nucleotide position 1636, causing the alanine (A) at amino acid position 546 to be replaced by a serine (S). Based on data from gnomAD, the T allele has an overall frequency of <0.001% (1/251452) total alleles studied. The highest observed frequency was 0.001% (1/113744) of European (non-Finnish) alleles. Based on insufficient or conflicting evidence, the clinical significance of this alteration remains unclear.

NM_000176.3(NR3C1):c.1636G>T (p.Ala546Ser)

Gene: NR3C1 (nuclear receptor subfamily 3 group C member 1; minus strand). Cytogenetic location: 5q31.3.
Variant type: single nucleotide variant.
Coding change: c.1636G>T on transcript NM_000176.3 (MANE Select); coding-DNA position 1636, G replaced by T.
Protein change: p.Ala546Ser; replaces alanine 546 with serine.
Molecular consequence: missense variant. On other transcripts: non-coding transcript variant (1).
Genome position (GRCh38, 1-based): chr5:143,300,596, C>A on the plus strand (G>T on the coding strand, the complement: NR3C1 is on the minus strand). VCF-style: chr5-143300596-C-A. GRCh37 (hg19) VCF-style: chr5-142680161-C-A.
Other names: c.1636G>T, p.Ala546Ser (NM_001018074.1, NM_001018075.1, NM_001018076.2 and 6 more transcripts); c.1639G>T, p.Ala547Ser (NM_001024094.2, NM_001364183.2, NM_001364184.2 and 1 more transcripts); c.1558G>T, p.Ala520Ser (NM_001204258.2); c.1381G>T, p.Ala461Ser (NM_001204259.2); c.1369G>T, p.Ala457Ser (NM_001204260.2); c.1345G>T, p.Ala449Ser (NM_001204261.2); c.691G>T, p.Ala231Ser (NM_001204262.2); c.646G>T, p.Ala216Ser (NM_001204263.2); and 1 more; short protein forms A449S, A520S, A216S, A457S, A461S, A547S, A211S, A231S.
Identifiers: ClinVar variation 4626391 (VCV004626391.2).